The following is an entry in ClinVar:

ClinVar aggregate classification (germline): Uncertain significance (1 of 4 stars; one submission).

Conditions:
Inborn genetic diseases. Identifiers: MedGen C0950123, MeSH D030342.

Submission:

Ambry Genetics
Classification: Uncertain significance for Inborn genetic diseases. Last evaluated: 2024-12-12. Review status: criteria provided, single submitter. Criteria: Ambry Variant Classification Scheme 2023. Collection method: clinical testing. Allele origin: germline.
Comment: The p.S366G variant (also known as c.1096A>G), located in coding exon 6 of the FANCM gene, results from an A to G substitution at nucleotide position 1096. The serine at codon 366 is replaced by glycine, an amino acid with similar properties. This amino acid position is conserved. In addition, this alteration is predicted to be tolerated by in silico analysis. Based on the available evidence, the clinical significance of this variant remains unclear.

NM_020937.4(FANCM):c.1096A>G (p.Ser366Gly)

Gene: FANCM (FA complementation group M; plus strand). Cytogenetic location: 14q21.2.
Variant type: single nucleotide variant.
Coding change: c.1096A>G on transcript NM_020937.4 (MANE Select); coding-DNA position 1096, A replaced by G.
Protein change: p.Ser366Gly; replaces serine 366 with glycine.
Molecular consequence: missense variant.
Genome position (GRCh38, 1-based): chr14:45,153,965, A>G. VCF-style: chr14-45153965-A-G. GRCh37 (hg19) VCF-style: chr14-45623168-A-G.
Other names: c.1018A>G, p.Ser340Gly (NM_001308133.2); c.1096A>G, p.Ser366Gly (NM_001308134.2); short protein forms S340G, S366G.
Identifiers: ClinVar variation 3848481 (VCV003848481.1).